The following is an entry in ClinVar:

ClinVar aggregate classification (germline): Uncertain significance. Review status: criteria provided, multiple submitters, no conflicts (2 of 4 stars). 2 submissions from 2 submitters: Uncertain significance (2). Last evaluated 2025-07-27.

Conditions:
Fanconi anemia (FA). Also called: Fanconi's anemia. Identifiers: Orphanet 84, MedGen C0015625, MeSH D005199, MONDO:0019391.
Fanconi anemia complementation group D2. Also called: FANCD2-Related Fanconi Anemia; FANCONI PANCYTOPENIA, TYPE 4; FANCONI ANEMIA, COMPLEMENTATION GROUP D. Identifiers: Orphanet 84, MedGen C3160738, MONDO:0009214, OMIM 227646.

Allele frequency attached by ClinVar (database versions not stated): gnomAD exomes 0.00001 and 0.00002; TOPMed 0.00001; ExAC 0.00002; gnomAD 0.00003.
gnomAD v4.1: 13 of 1,614,052 alleles (0.00081%); highest among the groups gnomAD compares: East Asian, 0.024%; no homozygotes.

Submissions (2):

Labcorp Genetics (formerly Invitae), Labcorp
Classification: Uncertain significance for Fanconi anemia. Last evaluated: 2025-07-27. Review status: criteria provided, single submitter. Criteria: Invitae Variant Classification Sherloc (09022015). Collection method: clinical testing. Allele origin: germline.
Comment: This sequence change replaces valine, which is neutral and non-polar, with aspartic acid, which is acidic and polar, at codon 1016 of the FANCD2 protein (p.Val1016Asp). This variant is present in population databases (rs767860064, gnomAD 0.05%). This variant has not been reported in the literature in individuals affected with FANCD2-related conditions. ClinVar contains an entry for this variant (Variation ID: 1377804). Invitae Evidence Modeling of protein sequence and biophysical properties (such as structural, functional, and spatial information, amino acid conservation, physicochemical variation, residue mobility, and thermodynamic stability) indicates that this missense variant is expected to disrupt FANCD2 protein function with a positive predictive value of 80%. In summary, the available evidence is currently insufficient to determine the role of this variant in disease. Therefore, it has been classified as a Variant of Uncertain Significance.

Fulgent Genetics
Classification: Uncertain significance for Fanconi anemia complementation group D2. Last evaluated: 2024-06-19. Review status: criteria provided, single submitter. Criteria: ACMG Guidelines, 2015. Collection method: clinical testing. Allele origin: germline.

NM_001018115.3(FANCD2):c.3047T>A (p.Val1016Asp)

Gene: FANCD2 (FA complementation group D2; plus strand). Cytogenetic location: 3p25.3.
Variant type: single nucleotide variant.
Coding change: c.3047T>A on transcript NM_001018115.3 (MANE Select); coding-DNA position 3047, T replaced by A.
Protein change: p.Val1016Asp; replaces valine 1016 with aspartic acid.
Molecular consequence: missense variant.
Genome position (GRCh38, 1-based): chr3:10,081,170, T>A. VCF-style: chr3-10081170-T-A. GRCh37 (hg19) VCF-style: chr3-10122854-T-A.
Other names: c.3047T>A (NM_033084.4); c.3047T>A, p.Val1016Asp (NM_001319984.2, NM_001374254.1, NM_033084.6); c.2936T>A, p.Val979Asp (NM_001374253.1); short protein forms V1016D, V979D.
Identifiers: ClinVar variation 1377804 (VCV001377804.9), dbSNP rs767860064, ClinGen allele CA2250268.